The following is an entry in ClinVar:

ClinVar aggregate classification (germline): Pathogenic. Review status: criteria provided, multiple submitters, no conflicts (2 of 4 stars). 8 submissions from 8 submitters: Pathogenic (7). 1 of the submissions does not count toward it. Last evaluated 2024-09-14.

Conditions:
Hereditary cancer-predisposing syndrome. Also called: Hereditary neoplastic syndrome; Tumor predisposition; Neoplastic Syndromes, Hereditary; Hereditary Cancer Syndrome. Identifiers: Orphanet 140162, MedGen C0027672, MeSH D009386, MONDO:0015356.
Familial cancer of breast. Also called: Hereditary breast cancer; BREAST CANCER, FAMILIAL; hereditary breast carcinoma. Identifiers: Orphanet 227535, MedGen C0346153, MONDO:0016419, OMIM 114480. Disease mechanism: loss of function.
Ataxia-telangiectasia syndrome (AT). Also called: LOUIS-BAR SYNDROME; ATAXIA-TELANGIECTASIA, COMPLEMENTATION GROUP A; ATAXIA-TELANGIECTASIA, FRESNO VARIANT; Ataxia-telangiectasia; Ataxia telangiectasia (A-T); Cerebello-oculocutaneous telangiectasia. Identifiers: Orphanet 100, MedGen C0004135, MONDO:0008840, OMIM 208900.

Allele frequency attached by ClinVar (database versions not stated): gnomAD 0.00001.
gnomAD v4.1: 1 of 1,608,744 alleles (0.000062%); highest among the groups gnomAD compares: Non-Finnish European, 0.000085%; no homozygotes.

Submissions (8):

Labcorp Genetics (formerly Invitae), Labcorp
Classification: Pathogenic for Ataxia-telangiectasia syndrome. Last evaluated: 2024-09-14. Review status: criteria provided, single submitter. Criteria: Invitae Variant Classification Sherloc (09022015). Collection method: clinical testing. Allele origin: germline.
Comment: This sequence change creates a premature translational stop signal (p.Ser1369*) in the ATM gene. It is expected to result in an absent or disrupted protein product. Loss-of-function variants in ATM are known to be pathogenic (PMID: 23807571, 25614872). This variant is present in population databases (no rsID available, gnomAD 0.0009%). This variant has not been reported in the literature in individuals affected with ATM-related conditions. ClinVar contains an entry for this variant (Variation ID: 379550). For these reasons, this variant has been classified as Pathogenic.

Myriad Genetics, Inc.
Classification: Pathogenic for Familial cancer of breast. Last evaluated: 2024-01-23. Review status: criteria provided, single submitter. Criteria: Myriad Autosomal Dominant, Autosomal Recessive and X-Linked Classification Criteria (2023). Collection method: clinical testing. Allele origin: unknown.
Comment: This variant is considered pathogenic. This variant creates a termination codon and is predicted to result in premature protein truncation.

Baylor Genetics
Classification: Pathogenic for Familial cancer of breast. Last evaluated: 2023-09-30. Review status: criteria provided, single submitter. Criteria: ACMG Guidelines, 2015. Collection method: clinical testing. Allele origin: unknown.

Ambry Genetics
Classification: Pathogenic for Hereditary cancer-predisposing syndrome. Last evaluated: 2023-03-29. Review status: criteria provided, single submitter. Criteria: Ambry Variant Classification Scheme 2023. Collection method: clinical testing. Allele origin: germline.
Comment: The p.S1369* pathogenic mutation (also known as c.4106C>A), located in coding exon 26 of the ATM gene, results from a C to A substitution at nucleotide position 4106. This changes the amino acid from a serine to a stop codon within coding exon 26. This alteration is expected to result in loss of function by premature protein truncation or nonsense-mediated mRNA decay. As such, this alteration is interpreted as a disease-causing mutation.

Fulgent Genetics
Classification: Pathogenic for Familial cancer of breast; Ataxia-telangiectasia syndrome. Last evaluated: 2022-04-12. Review status: criteria provided, single submitter. Criteria: ACMG Guidelines, 2015. Collection method: clinical testing. Allele origin: unknown.

Color Diagnostics, LLC DBA Color Health
Classification: Pathogenic for Hereditary cancer-predisposing syndrome. Last evaluated: 2021-01-11. Review status: criteria provided, single submitter. Criteria: ACMG Guidelines, 2015. Collection method: clinical testing. Allele origin: germline.
Comment: This variant changes 1 nucleotide in exon 27 of the ATM gene, creating a premature translation stop signal. This variant is expected to result in an absent or non-functional protein product. To our knowledge, this variant has not been reported in individuals affected with hereditary cancer in the literature. This variant has been identified in 1/31384 chromosomes in the general population by the Genome Aggregation Database (gnomAD). Loss of ATM function is a known mechanism of disease. Based on the available evidence, this variant is classified as Pathogenic.

GeneDx
Classification: Pathogenic. Last evaluated: 2015-04-14. Review status: criteria provided, single submitter. Criteria: GeneDx Variant Classification (06012015). Collection method: clinical testing. Allele origin: germline. Affected: yes.
Comment: This pathogenic variant is denoted ATM c.4106C>A at the cDNA level and p.Ser1369Ter (S1369X) at the protein level. The substitution creates a nonsense variant, which changes a Serine to a premature stop codon (TCA>TAA), and is predicted to cause loss of normal protein function through either protein truncation or nonsense-mediated mRNA decay. Although this variant has not, to our knowledge, been reported in the literature, it is considered pathogenic. The presence of

Counsyl
Classification: Likely pathogenic for Ataxia-telangiectasia syndrome. Last evaluated: 2017-05-04. Review status: no assertion criteria provided. Collection method: clinical testing. Allele origin: unknown. Not counted in ClinVar's aggregate classification.

Literature cited by the submitters: PubMed 23807571 (cited by Labcorp Genetics (formerly Invitae), Labcorp); PubMed 25614872 (cited by Labcorp Genetics (formerly Invitae), Labcorp).

NM_000051.4(ATM):c.4106C>A (p.Ser1369Ter)

Gene: ATM (ATM serine/threonine kinase; plus strand). Cytogenetic location: 11q22.3.
Variant type: single nucleotide variant.
Coding change: c.4106C>A on transcript NM_000051.4 (MANE Select); coding-DNA position 4106, C replaced by A.
Protein change: p.Ser1369Ter; replaces serine 1369 with a stop codon.
Molecular consequence: nonsense.
Genome position (GRCh38, 1-based): chr11:108,287,712, C>A. VCF-style: chr11-108287712-C-A. GRCh37 (hg19) VCF-style: chr11-108158439-C-A.
Other names: c.4106C>A, p.Ser1369Ter (NM_001351834.2); short protein forms S1369*.
Identifiers: ClinVar variation 379550 (VCV000379550.17), dbSNP rs1057520640, ClinGen allele CA16606070.